The following is an entry in ClinVar:

ClinVar aggregate classification (germline): Uncertain significance (1 of 4 stars; one submission).

Conditions:
Primary familial hypertrophic cardiomyopathy (HCM). Identifiers: Orphanet 99739, MedGen C0949658, MeSH D024741, MONDO:0024573. Inheritance: Various modes of inheritance.

Submission:

Labcorp Genetics (formerly Invitae), Labcorp
Classification: Uncertain significance for Primary familial hypertrophic cardiomyopathy. Last evaluated: 2023-10-24. Review status: criteria provided, single submitter. Criteria: Invitae Variant Classification Sherloc (09022015). Collection method: clinical testing. Allele origin: germline.
Comment: This sequence change replaces isoleucine, which is neutral and non-polar, with valine, which is neutral and non-polar, at codon 82 of the ILK protein (p.Ile82Val). This variant is not present in population databases (gnomAD no frequency). This variant has not been reported in the literature in individuals affected with ILK-related conditions. An algorithm developed to predict the effect of missense changes on protein structure and function (PolyPhen-2) suggests that this variant is likely to be tolerated. In summary, the available evidence is currently insufficient to determine the role of this variant in disease. Therefore, it has been classified as a Variant of Uncertain Significance.

NM_004517.4(ILK):c.244A>G (p.Ile82Val)

Genes: ILK (integrin linked kinase; plus strand), TAF10 (TATA-box binding protein associated factor 10; minus strand). Cytogenetic location: 11p15.4.
Variant type: single nucleotide variant.
Coding change: c.244A>G on transcript NM_004517.4 (MANE Select); coding-DNA position 244, A replaced by G.
Protein change: p.Ile82Val; replaces isoleucine 82 with valine.
Molecular consequence: missense variant. On other transcripts: 3 prime UTR variant (1), intron variant (1).
Genome position (GRCh38, 1-based): chr11:6,608,200, A>G. VCF-style: chr11-6608200-A-G. GRCh37 (hg19) VCF-style: chr11-6629430-A-G.
Other names: c.244A>G, p.Ile82Val (NM_001014794.3, NM_001014795.3, NM_001278441.2); c.*2722T>C (NM_006284.4); c.-147-194A>G (NM_001278442.2); short protein forms I82V.
Identifiers: ClinVar variation 2771515 (VCV002771515.3), dbSNP rs2493761408, ClinGen allele CA379455905.